The following is an entry in ClinVar:

NM_000059.4(BRCA2):c.5263G>T (p.Glu1755Ter)

Gene: BRCA2 (BRCA2 DNA repair associated; plus strand). Cytogenetic location: 13q13.1.
Variant type: single nucleotide variant.
Coding change: c.5263G>T on transcript NM_000059.4 (MANE Select); coding-DNA position 5263, G replaced by T.
Protein change: p.Glu1755Ter; replaces glutamic acid 1755 with a stop codon.
Molecular consequence: nonsense.
Genome position (GRCh38, 1-based): chr13:32,339,618, G>T. VCF-style: chr13-32339618-G-T. GRCh37 (hg19) VCF-style: chr13-32913755-G-T.
Other names: 5491G>T E1755X; short protein forms E1755*.
Identifiers: ClinVar variation 266867 (VCV000266867.9), dbSNP rs886040584, ClinGen allele CA10589304.

ClinVar aggregate classification (germline): Pathogenic. Review status: reviewed by expert panel (3 of 4 stars). 4 submissions from 4 submitters: Pathogenic (1). 3 of the submissions do not count toward it. Last evaluated 2016-10-18.

Conditions:
Breast-ovarian cancer, familial, susceptibility to, 2 (BROVCA2). Also called: BRCA2 Hereditary Breast and Ovarian Cancer. Identifiers: Orphanet 145, MedGen C2675520, MONDO:0012933, OMIM 612555. Disease mechanism: loss of function.
Hereditary breast ovarian cancer syndrome. Also called: BRCA1- and BRCA2-Associated Hereditary Breast and Ovarian Cancer; Hereditary breast and ovarian cancer; Breast and ovarian cancer; Hereditary breast and/or ovarian cancer syndrome; Hereditary breast and ovarian cancer syndrome; Hereditary breast and ovarian cancer syndrome (HBOC). Identifiers: Orphanet 145, MedGen C0677776, MeSH D061325, MONDO:0003582. Disease mechanism: loss of function.
Hereditary cancer-predisposing syndrome. Also called: Hereditary neoplastic syndrome; Neoplastic Syndromes, Hereditary; Tumor predisposition; Hereditary Cancer Syndrome. Identifiers: Orphanet 140162, MedGen C0027672, MeSH D009386, MONDO:0015356.

Submissions (4):

Evidence-based Network for the Interpretation of Germline Mutant Alleles (ENIGMA)
Classification: Pathogenic for Breast-ovarian cancer, familial, susceptibility to, 2. Last evaluated: 2016-10-18. Review status: reviewed by expert panel. Criteria: ENIGMA BRCA1/2 Classification Criteria (2015). Collection method: curation. Allele origin: germline.
Comment: Variant allele predicted to encode a truncated non-functional protein.

Labcorp Genetics (formerly Invitae), Labcorp
Classification: Pathogenic for Hereditary breast ovarian cancer syndrome. Last evaluated: 2025-07-31. Review status: criteria provided, single submitter. Criteria: Invitae Variant Classification Sherloc (09022015). Collection method: clinical testing. Allele origin: germline. Not counted in ClinVar's aggregate classification.
Comment: This sequence change creates a premature translational stop signal (p.Glu1755*) in the BRCA2 gene. It is expected to result in an absent or disrupted protein product. Loss-of-function variants in BRCA2 are known to be pathogenic (PMID: 20104584). This variant is not present in population databases (gnomAD no frequency). This variant has not been reported in the literature in individuals affected with BRCA2-related conditions. ClinVar contains an entry for this variant (Variation ID: 266867). For these reasons, this variant has been classified as Pathogenic.

Ambry Genetics
Classification: Pathogenic for Hereditary cancer-predisposing syndrome. Last evaluated: 2022-11-03. Review status: criteria provided, single submitter. Criteria: Ambry Variant Classification Scheme 2023. Collection method: clinical testing. Allele origin: germline. Not counted in ClinVar's aggregate classification.
Comment: The p.E1755* pathogenic mutation (also known as c.5263G>T), located in coding exon 10 of the BRCA2 gene, results from a G to T substitution at nucleotide position 5263. This changes the amino acid from a glutamic acid to a stop codon within coding exon 10. This alteration was identified in a large, worldwide study of BRCA1 and BRCA2 mutation positive families (Rebbeck TR et al. Hum Mutat, 2018 05;39:593-620). This alteration is expected to result in loss of function by premature protein truncation or nonsense-mediated mRNA decay. As such, this alteration is interpreted as a disease-causing mutation.

Consortium of Investigators of Modifiers of BRCA1/2 (CIMBA), c/o University of Cambridge
Classification: Pathogenic for Breast-ovarian cancer, familial, susceptibility to, 2. Last evaluated: 2015-10-02. Review status: criteria provided, single submitter. Criteria: CIMBA Mutation Classification guidelines May 2016. Collection method: clinical testing. Allele origin: germline. Not counted in ClinVar's aggregate classification.

Literature cited by the submitters: PubMed 20104584 (cited by Labcorp Genetics (formerly Invitae), Labcorp); PubMed 29446198 (cited by Ambry Genetics).